The following is an entry in ClinVar:

ClinVar aggregate classification (germline): Likely benign. Review status: criteria provided, single submitter (1 of 4 stars). 2 submissions from 2 submitters: Likely benign (1). 1 of the submissions does not count toward it. Last evaluated 2023-01-01.

Conditions:
USH1C-related disorder. Also called: USH1C-related condition.

Allele frequency attached by ClinVar (database versions not stated): gnomAD 0.00002; ExAC 0.00003; gnomAD exomes 0.00006.
gnomAD v4.1: 98 of 1,577,900 alleles (0.0062%); highest among the groups gnomAD compares: Non-Finnish European, 0.0079%; no homozygotes.

Submissions (2):

CeGaT Center for Human Genetics Tuebingen
Classification: Likely benign. Last evaluated: 2023-01-01. Review status: criteria provided, single submitter. Criteria: CeGaT Center For Human Genetics Tuebingen Variant Classification Criteria Version 2. Collection method: clinical testing. Allele origin: germline. Affected: yes. Observed: 1 variant allele.
Comment: USH1C: BP4, BP7

PreventionGenetics, part of Exact Sciences
Classification: Likely benign for USH1C-related condition. Last evaluated: 2024-09-05. Review status: no assertion criteria provided. Collection method: clinical testing. Allele origin: germline. Not counted in ClinVar's aggregate classification.
Comment: This variant is classified as likely benign based on ACMG/AMP sequence variant interpretation guidelines (Richards et al. 2015 PMID: 25741868, with internal and published modifications).

NM_153676.4(USH1C):c.1773A>G (p.Ser591=)

Gene: USH1C (USH1 protein network component harmonin; minus strand). Cytogenetic location: 11p15.1.
Variant type: single nucleotide variant.
Coding change: c.1773A>G on transcript NM_153676.4 (MANE Select); coding-DNA position 1773, A replaced by G.
Protein change: p.Ser591=; no amino-acid change (serine 591 retained).
Molecular consequence: synonymous variant. On other transcripts: intron variant (2).
Genome position (GRCh38, 1-based): chr11:17,509,596, T>C on the plus strand (A>G on the coding strand, the complement: USH1C is on the minus strand). VCF-style: chr11-17509596-T-C. GRCh37 (hg19) VCF-style: chr11-17531143-T-C.
Other names: c.1228-7616A>G (NM_001297764.2); c.1285-7616A>G (NM_005709.4); c.1773A>G (NM_153676.3).
Identifiers: ClinVar variation 2498506 (VCV002498506.28), dbSNP rs746578305, ClinGen allele CA5904448.
Genomic context (GRCh38, chr11:17,509,596, plus strand): 5'-AACGGATGGCGGGGGAGGGATGGGAATGGGGGGTGGAGTGCGCTGCACCCATGGAGAGGA[T>C]GAGGCGCTCACATGGCCAGATAAGGGAAGGACAGGGGGCGCCGGGACCTTGTGGGGTGGG-3'
Protein context (NP_710142.1, residues 581-601): VLPLSGHVSA[Ser591=]SSPWVQRTPP